The following is an entry in ClinVar:

ClinVar aggregate classification (germline): Uncertain significance. Review status: criteria provided, single submitter (1 of 4 stars). 2 submissions from 2 submitters: Uncertain significance (1). 1 of the submissions does not count toward it. Last evaluated 2018-11-15.

Conditions:
Very long chain acyl-CoA dehydrogenase deficiency (ACADVLD). Also called: VLCAD Deficiency; Very Long-Chain Acyl-Coenzyme A Dehydrogenase Deficiency. Identifiers: Orphanet 26793, MedGen C3887523, MONDO:0008723, OMIM 201475.

Submissions (2):

Labcorp Genetics (formerly Invitae), Labcorp
Classification: Uncertain significance for Very long chain acyl-CoA dehydrogenase deficiency. Last evaluated: 2018-11-15. Review status: criteria provided, single submitter. Criteria: Invitae Variant Classification Sherloc (09022015). Collection method: clinical testing. Allele origin: germline.
Comment: This sequence change replaces asparagine with lysine at codon 321 of the ACADVL protein (p.Asn321Lys). The asparagine residue is highly conserved and there is a moderate physicochemical difference between asparagine and lysine. This variant is not present in population databases (ExAC no frequency). In summary, the available evidence is currently insufficient to determine the role of this variant in disease. Therefore, it has been classified as a Variant of Uncertain Significance. Algorithms developed to predict the effect of missense changes on protein structure and function are either unavailable or do not agree on the potential impact of this missense change (SIFT: "Deleterious"; PolyPhen-2: "Probably Damaging"; Align-GVGD: "Class C15"). This variant has not been reported in the literature in individuals with ACADVL-related disease.

Natera, Inc.
Classification: Uncertain significance for Very long chain acyl-CoA dehydrogenase deficiency. Last evaluated: 2021-08-02. Review status: no assertion criteria provided. Collection method: clinical testing. Allele origin: germline. Not counted in ClinVar's aggregate classification.

NM_000018.4(ACADVL):c.963C>A (p.Asn321Lys)

Gene: ACADVL (acyl-CoA dehydrogenase very long chain; plus strand). Cytogenetic location: 17p13.1.
Variant type: single nucleotide variant.
Coding change: c.963C>A on transcript NM_000018.4 (MANE Select); coding-DNA position 963, C replaced by A.
Protein change: p.Asn321Lys; replaces asparagine 321 with lysine.
Molecular consequence: missense variant.
Genome position (GRCh38, 1-based): chr17:7,222,751, C>A. VCF-style: chr17-7222751-C-A. GRCh37 (hg19) VCF-style: chr17-7126070-C-A.
Other names: c.897C>A, p.Asn299Lys (NM_001033859.3); c.1032C>A, p.Asn344Lys (NM_001270447.2); c.735C>A, p.Asn245Lys (NM_001270448.2); short protein forms N321K, N299K, N344K, N245K.
Identifiers: ClinVar variation 654411 (VCV000654411.10), dbSNP rs568118142, ClinGen allele CA397724057.